The following is an entry in ClinVar:

NM_000179.2(MSH6):c.(?_-1)_457+?del

Genes: MSH6 (mutS homolog 6; plus strand), LOC129933707 (ATAC-STARR-seq lymphoblastoid silent region 11468; plus strand), LOC129933708 (ATAC-STARR-seq lymphoblastoid silent region 11469; plus strand). Cytogenetic location: 2p16.3.
Variant type: Deletion.
Other names: c.(?_-1)_457+?del (LRG_219t1).
Identifiers: ClinVar variation 216041 (VCV000216041.1).

ClinVar aggregate classification (germline): Pathogenic (1 of 4 stars; one submission).

Conditions:
Lynch syndrome. Identifiers: Orphanet 144, MedGen C4552100, MONDO:0005835. Disease mechanism: loss of function.

Submission:

Labcorp Genetics (formerly Invitae), Labcorp
Classification: Pathogenic for Lynch syndrome. Last evaluated: 2015-05-28. Review status: criteria provided, single submitter. Criteria: Invitae Variant Classification Sherloc (09022015). Collection method: clinical testing. Allele origin: germline.
Comment: This sequence change is a gross deletion of the genomic region encompassing exons 1-2 of the MSH6 gene. This deletion extends to both edges of the assayed region, and the 5' and 3' boundaries of this event are not known. However, this deletion removes the initiator methionine in exon 1, and results in the deletion of at least 152 amino acid residues of the MSH6 protein. Gross deletions in MSH6 are known to be pathogenic. Several deletions encompassing exons 1-2 have been reported in the literature in patients affected with Lynch syndrome (PMID: 17117178, 20591884, 22691310, 15942939). For these reasons, this variant has been classified as Pathogenic.